The following is an entry in ClinVar:

ClinVar aggregate classification (germline): Uncertain significance. Review status: criteria provided, multiple submitters, no conflicts (2 of 4 stars). 2 submissions from 2 submitters: Uncertain significance (2). Last evaluated 2023-12-14.

Conditions:
Emery-Dreifuss muscular dystrophy 4, autosomal dominant (EDMD4). Also called: EMERY-DREIFUSS MUSCULAR DYSTROPHY 4 WITH VARIABLE FEATURES. Identifiers: Orphanet 261, MedGen C2751807, MONDO:0013071, OMIM 612998.
Autosomal recessive ataxia, Beauce type. Also called: ATAXIA, RECESSIVE, OF BEAUCE; SYNE1 Deficiency; Spinocerebellar ataxia, autosomal recessive 8; SYNE1-Related Autosomal Recessive Cerebellar Ataxia. Identifiers: Orphanet 88644, MedGen C1853116, MONDO:0012549, OMIM 610743.

Allele frequency attached by ClinVar (database versions not stated): gnomAD exomes below 0.00001; ExAC 0.00002; gnomAD 0.00005; TOPMed 0.00005; ESP Exome Variant Server 0.00008.
gnomAD v4.1: 14 of 1,613,838 alleles (0.00087%); highest among the groups gnomAD compares: African/African-American, 0.016%; no homozygotes.

Submissions (2):

Labcorp Genetics (formerly Invitae), Labcorp
Classification: Uncertain significance for Emery-Dreifuss muscular dystrophy 4, autosomal dominant; Autosomal recessive ataxia, Beauce type. Last evaluated: 2023-12-14. Review status: criteria provided, single submitter. Criteria: Invitae Variant Classification Sherloc (09022015). Collection method: clinical testing. Allele origin: germline.
Comment: This sequence change replaces glutamine, which is neutral and polar, with leucine, which is neutral and non-polar, at codon 6456 of the SYNE1 protein (p.Gln6456Leu). This variant is present in population databases (rs373902612, gnomAD 0.01%). This variant has not been reported in the literature in individuals affected with SYNE1-related conditions. ClinVar contains an entry for this variant (Variation ID: 2436669). An algorithm developed to predict the effect of missense changes on protein structure and function (PolyPhen-2) suggests that this variant is likely to be tolerated. In summary, the available evidence is currently insufficient to determine the role of this variant in disease. Therefore, it has been classified as a Variant of Uncertain Significance.

Revvity Omics, Revvity
Classification: Uncertain significance. Last evaluated: 2022-06-01. Review status: criteria provided, single submitter. Criteria: ACMG Guidelines, 2015. Collection method: clinical testing. Allele origin: germline.

NM_182961.4(SYNE1):c.19580A>T (p.Gln6527Leu)

Gene: SYNE1 (spectrin repeat containing nuclear envelope protein 1; minus strand). Cytogenetic location: 6q25.2.
Variant type: single nucleotide variant.
Coding change: c.19580A>T on transcript NM_182961.4 (MANE Select); coding-DNA position 19580, A replaced by T.
Protein change: p.Gln6527Leu; replaces glutamine 6527 with leucine.
Molecular consequence: missense variant.
Genome position (GRCh38, 1-based): chr6:152,244,649, T>A on the plus strand (A>T on the coding strand, the complement: SYNE1 is on the minus strand). VCF-style: chr6-152244649-T-A. GRCh37 (hg19) VCF-style: chr6-152565784-T-A.
Other names: c.19367A>T, p.Gln6456Leu (NM_033071.5); short protein forms Q6456L, Q6527L.
Identifiers: ClinVar variation 2436669 (VCV002436669.6), dbSNP rs373902612, ClinGen allele CA4054630.